The following is an entry in ClinVar:

ClinVar aggregate classification (germline): Uncertain significance (1 of 4 stars; one submission).

Conditions:
Bloom syndrome (BLM). Also called: Bloom-Torre-Machacek syndrome. Identifiers: Orphanet 125, MedGen C0005859, MONDO:0008876, OMIM 210900.

Submission:

Labcorp Genetics (formerly Invitae), Labcorp
Classification: Uncertain significance for Bloom syndrome. Last evaluated: 2021-08-28. Review status: criteria provided, single submitter. Criteria: Invitae Variant Classification Sherloc (09022015). Collection method: clinical testing. Allele origin: germline.
Comment: This variant has not been reported in the literature in individuals affected with BLM-related conditions. This variant is not present in population databases (ExAC no frequency). This sequence change replaces serine with phenylalanine at codon 1296 of the BLM protein (p.Ser1296Phe). The serine residue is weakly conserved and there is a large physicochemical difference between serine and phenylalanine. In summary, the available evidence is currently insufficient to determine the role of this variant in disease. Therefore, it has been classified as a Variant of Uncertain Significance. Algorithms developed to predict the effect of missense changes on protein structure and function (SIFT, PolyPhen-2, Align-GVGD) all suggest that this variant is likely to be tolerated.

NM_000057.4(BLM):c.3887C>T (p.Ser1296Phe)

Gene: BLM (BLM RecQ like helicase; plus strand). Cytogenetic location: 15q26.1.
Variant type: single nucleotide variant.
Coding change: c.3887C>T on transcript NM_000057.4 (MANE Select); coding-DNA position 3887, C replaced by T.
Protein change: p.Ser1296Phe; replaces serine 1296 with phenylalanine.
Molecular consequence: missense variant.
Genome position (GRCh38, 1-based): chr15:90,811,217, C>T. VCF-style: chr15-90811217-C-T. GRCh37 (hg19) VCF-style: chr15-91354447-C-T.
Other names: c.3887C>T, p.Ser1296Phe (NM_001287246.2); c.3494C>T, p.Ser1165Phe (NM_001287247.2); c.2762C>T, p.Ser921Phe (NM_001287248.2); short protein forms S921F, S1165F, S1296F.
Identifiers: ClinVar variation 1462573 (VCV001462573.6), dbSNP rs2151199713, ClinGen allele CA393850415.
Genomic context (GRCh38, chr15:90,811,217, plus strand): 5'-TGGACCAGTGCGACATCACCTGTAAACATCTGCATTTTCCATTTGTAGCTGAAGACAGTT[C>T]CCCAGGGATAAGCCTGTCCAGCAGCAGAGGCCCCGGAAGAAGTGCCGCTGAGGAGCTCGA-3'
Protein context (NP_000048.1, residues 1286-1306): SEWTSPAEDS[Ser1296Phe]PGISLSSSRG